The following is an entry in ClinVar:

ClinVar aggregate classification (germline): Uncertain significance (1 of 4 stars; one submission).

Conditions:
ABCC2-related disorder. Also called: ABCC2-related condition.

gnomAD v4.1: 2 of 1,614,072 alleles (0.00012%); highest among the groups gnomAD compares: Non-Finnish European, 0.000085%; no homozygotes.

Submission:

PreventionGenetics, part of Exact Sciences
Classification: Uncertain significance for ABCC2-related condition. Last evaluated: 2025-08-08. Review status: criteria provided, single submitter. Criteria: ACMG Guidelines, 2015. Collection method: clinical testing. Allele origin: germline.
Comment: The ABCC2 c.3117C>A variant is predicted to result in the amino acid substitution p.Phe1039Leu. To our knowledge, this variant has not been reported in the literature or in a large population database (gnomAD), indicating this variant is rare. At this time, the clinical significance of this variant is uncertain due to the absence of conclusive functional and genetic evidence.

NM_000392.5(ABCC2):c.3117C>A (p.Phe1039Leu)

Gene: ABCC2 (ATP binding cassette subfamily C member 2; plus strand). Cytogenetic location: 10q24.2.
Variant type: single nucleotide variant.
Coding change: c.3117C>A on transcript NM_000392.5 (MANE Select); coding-DNA position 3117, C replaced by A.
Protein change: p.Phe1039Leu; replaces phenylalanine 1039 with leucine.
Molecular consequence: missense variant.
Genome position (GRCh38, 1-based): chr10:99,831,990, C>A. VCF-style: chr10-99831990-C-A. GRCh37 (hg19) VCF-style: chr10-101591747-C-A.
Other names: short protein forms F1039L.
Identifiers: ClinVar variation 4988903 (VCV004988903.1).
Genomic context (GRCh38, chr10:99,831,990, plus strand): 5'-TCAGGGATTCCTGTGCATGGTGCTGACAAAACTGCTTCCATCTCTAGGTATATTTGTGTT[C>A]ATAGCACATTTCTGGAGTGCCTTTGGTTTCGTCCATGCATCAAATATCTTGCACAAGCAA-3'
Protein context (NP_000383.2, residues 1029-1049): ALGLAQGIFV[Phe1039Leu]IAHFWSAFGF